The following is an entry in ClinVar:

NM_015662.3(IFT172):c.1691G>C (p.Arg564Thr)

Gene: IFT172 (intraflagellar transport 172; minus strand). Cytogenetic location: 2p23.3.
Variant type: single nucleotide variant.
Coding change: c.1691G>C on transcript NM_015662.3 (MANE Select); coding-DNA position 1691, G replaced by C.
Protein change: p.Arg564Thr; replaces arginine 564 with threonine.
Molecular consequence: missense variant.
Genome position (GRCh38, 1-based): chr2:27,470,929, C>G on the plus strand (G>C on the coding strand, the complement: IFT172 is on the minus strand). VCF-style: chr2-27470929-C-G. GRCh37 (hg19) VCF-style: chr2-27693796-C-G.
Other names: c.1625G>C, p.Arg542Thr (NM_001410739.1); short protein forms R542T, R564T.
Identifiers: ClinVar variation 2170011 (VCV002170011.4), dbSNP rs148710037, ClinGen allele CA346389366.

ClinVar aggregate classification (germline): Uncertain significance (1 of 4 stars; one submission).

Conditions:
Short-rib thoracic dysplasia 10 with or without polydactyly (SRTD10). Identifiers: Orphanet 474, MedGen C3810175, MONDO:0014284, OMIM 615630.
Retinitis pigmentosa 71 (RP71). Identifiers: Orphanet 791, MedGen C4225342, MONDO:0014618, OMIM 616394.

gnomAD v4.1: 1 of 1,601,330 alleles (0.000062%); highest among the groups gnomAD compares: African/African-American, 0.0013%; no homozygotes.

Submission:

Labcorp Genetics (formerly Invitae), Labcorp
Classification: Uncertain significance for Retinitis pigmentosa 71; Short-rib thoracic dysplasia 10 with or without polydactyly. Last evaluated: 2022-07-27. Review status: criteria provided, single submitter. Criteria: Invitae Variant Classification Sherloc (09022015). Collection method: clinical testing. Allele origin: germline.
Comment: This sequence change replaces arginine, which is basic and polar, with threonine, which is neutral and polar, at codon 564 of the IFT172 protein (p.Arg564Thr). This variant is present in population databases (no rsID available, gnomAD 0.01%). This variant has not been reported in the literature in individuals affected with IFT172-related conditions. Algorithms developed to predict the effect of missense changes on protein structure and function are either unavailable or do not agree on the potential impact of this missense change (SIFT: "Deleterious"; PolyPhen-2: "Benign"; Align-GVGD: "Class C0"). Algorithms developed to predict the effect of sequence changes on RNA splicing suggest that this variant may create or strengthen a splice site. In summary, the available evidence is currently insufficient to determine the role of this variant in disease. Therefore, it has been classified as a Variant of Uncertain Significance.